The following is an entry in ClinVar:

NM_000428.3(LTBP2):c.3107G>T (p.Cys1036Phe)

Gene: LTBP2 (latent transforming growth factor beta binding protein 2; minus strand). Cytogenetic location: 14q24.3.
Variant type: single nucleotide variant.
Coding change: c.3107G>T on transcript NM_000428.3 (MANE Select); coding-DNA position 3107, G replaced by T.
Protein change: p.Cys1036Phe; replaces cysteine 1036 with phenylalanine.
Molecular consequence: missense variant.
Genome position (GRCh38, 1-based): chr14:74,510,135, C>A on the plus strand (G>T on the coding strand, the complement: LTBP2 is on the minus strand). VCF-style: chr14-74510135-C-A. GRCh37 (hg19) VCF-style: chr14-74976838-C-A.
Other names: short protein forms C1036F.
Identifiers: ClinVar variation 1502278 (VCV001502278.6), dbSNP rs374444394, ClinGen allele CA7269286.

ClinVar aggregate classification (germline): Uncertain significance (1 of 4 stars; one submission).

Allele frequency attached by ClinVar (database versions not stated): gnomAD 0.00001; ExAC 0.00004; TOPMed 0.00005; gnomAD exomes 0.00006; ESP Exome Variant Server 0.00008.
gnomAD v4.1: 91 of 1,614,030 alleles (0.0056%); highest among the groups gnomAD compares: Non-Finnish European, 0.0073%; no homozygotes.

Submission:

Labcorp Genetics (formerly Invitae), Labcorp
Classification: Uncertain significance. Last evaluated: 2023-07-29. Review status: criteria provided, single submitter. Criteria: Invitae Variant Classification Sherloc (09022015). Collection method: clinical testing. Allele origin: germline.
Comment: This sequence change replaces cysteine, which is neutral and slightly polar, with phenylalanine, which is neutral and non-polar, at codon 1036 of the LTBP2 protein (p.Cys1036Phe). This variant is present in population databases (rs374444394, gnomAD 0.01%). This variant has not been reported in the literature in individuals affected with LTBP2-related conditions. ClinVar contains an entry for this variant (Variation ID: 1502278). An algorithm developed to predict the effect of missense changes on protein structure and function (PolyPhen-2) suggests that this variant is likely to be disruptive. Algorithms developed to predict the effect of sequence changes on RNA splicing suggest that this variant may disrupt the consensus splice site. In summary, the available evidence is currently insufficient to determine the role of this variant in disease. Therefore, it has been classified as a Variant of Uncertain Significance.